The following is an entry in ClinVar:

ClinVar aggregate classification (germline): Uncertain significance (1 of 4 stars; one submission).

Submission:

Labcorp Genetics (formerly Invitae), Labcorp
Classification: Uncertain significance. Last evaluated: 2025-04-13. Review status: criteria provided, single submitter. Criteria: Invitae Variant Classification Sherloc (09022015). Collection method: clinical testing. Allele origin: germline.
Comment: This sequence change replaces asparagine, which is neutral and polar, with aspartic acid, which is acidic and polar, at codon 184 of the TUBB1 protein (p.Asn184Asp). This variant is not present in population databases (gnomAD no frequency). This variant has not been reported in the literature in individuals affected with TUBB1-related conditions. Invitae Evidence Modeling of protein sequence and biophysical properties (such as structural, functional, and spatial information, amino acid conservation, physicochemical variation, residue mobility, and thermodynamic stability) indicates that this missense variant is expected to disrupt TUBB1 protein function with a positive predictive value of 80%. In summary, the available evidence is currently insufficient to determine the role of this variant in disease. Therefore, it has been classified as a Variant of Uncertain Significance.

NM_030773.4(TUBB1):c.550A>G (p.Asn184Asp)

Gene: TUBB1 (tubulin beta 1 class VI; plus strand). Cytogenetic location: 20q13.32.
Variant type: single nucleotide variant.
Coding change: c.550A>G on transcript NM_030773.4 (MANE Select); coding-DNA position 550, A replaced by G.
Protein change: p.Asn184Asp; replaces asparagine 184 with aspartic acid.
Molecular consequence: missense variant.
Genome position (GRCh38, 1-based): chr20:59,023,977, A>G. VCF-style: chr20-59023977-A-G. GRCh37 (hg19) VCF-style: chr20-57599032-A-G.
Other names: short protein forms N184D.
Identifiers: ClinVar variation 4764207 (VCV004764207.1).